The following is an entry in ClinVar:

NM_152263.4(TPM3):c.502C>G (p.Arg168Gly)

Gene: TPM3 (tropomyosin 3; minus strand). Cytogenetic location: 1q21.3.
Variant type: single nucleotide variant.
Coding change: c.502C>G on transcript NM_152263.4 (MANE Select); coding-DNA position 502, C replaced by G.
Protein change: p.Arg168Gly; replaces arginine 168 with glycine.
Molecular consequence: missense variant. On other transcripts: non-coding transcript variant (1).
Genome position (GRCh38, 1-based): chr1:154,172,972, G>C on the plus strand (C>G on the coding strand, the complement: TPM3 is on the minus strand). VCF-style: chr1-154172972-G-C. GRCh37 (hg19) VCF-style: chr1-154145448-G-C.
Other names: c.391C>G, p.Arg131Gly (NM_001043351.2, NM_001043352.2, NM_001043353.2 and 5 more transcripts); c.193C>G, p.Arg65Gly (NM_001278188.2); c.121C>G, p.Arg41Gly (NM_001278191.2); c.502C>G, p.Arg168Gly (NM_001364679.2, NM_001364680.2, NM_001364681.2 and 1 more transcripts); short protein forms R168G, R131G, R65G, R41G.
Identifiers: ClinVar variation 12453 (VCV000012453.16), dbSNP rs121964854, ClinGen allele CA232686.
Genomic context (GRCh38, chr1:154,172,972, plus strand): 5'-CTGCCAGCTCAGCTCGTTCCTCTGTGCGTTCCAAGTCTCCTTCAATGATCACCAACTTAC[G>C]AGCCACCTACAGGAAAAGATCCCAGTATAGCTTAGTGAAGCAAAGGAGCCATTTACCGCA-3'
Protein context (NP_689476.2, residues 158-178): EADRKYEEVA[Arg168Gly]KLVIIEGDLE

ClinVar aggregate classification (germline): Pathogenic/Likely pathogenic. Review status: criteria provided, multiple submitters, no conflicts (2 of 4 stars). 8 submissions from 8 submitters: Pathogenic (4); Likely pathogenic (1). 3 of the submissions do not count toward it. Last evaluated 2024-05-10.

Conditions:
TPM3-related core myopathy.
Congenital myopathy with fiber type disproportion. Also called: Congenital fiber-type disproportion; Congenital fiber-type disproportion myopathy. Identifiers: Orphanet 2020, MedGen C0546264, MONDO:0009711. Inheritance: all.
Congenital myopathy 4B, autosomal recessive. Also called: Nemaline myopathy 1, autosomal dominant or recessive. Identifiers: Orphanet 171433, Orphanet 171439, Orphanet 171881, MedGen C5829889, MONDO:0012239, OMIM 609284.
Congenital myopathy 4A, autosomal dominant (CMYO4A). Identifiers: MedGen CN178536, MONDO:0800341, OMIM 255310.

Submissions (8):

Genetics and Genomic Medicine Centre, NeuroGen Healthcare, NeuroGen Healthcare
Classification: Pathogenic for Congenital myopathy 4A, autosomal dominant. Last evaluated: 2024-05-10. Review status: criteria provided, single submitter. Criteria: ACMG Guidelines, 2015. Collection method: clinical testing. Allele origin: unknown. Affected: yes.

Muscle and Diseases Team, Institut de Génétique et Biologie Moléculaire et Cellulaire
Classification: Pathogenic for TPM3-related core myopathy. Last evaluated: 2024-03-01. Review status: criteria provided, single submitter. Criteria: ACMG Guidelines, 2015. Collection method: research. Allele origin: paternal. Affected: yes. Observed: 1 variant allele.
Comment: PS3+PM1+PM2+PM5+PM6+PP2+PP3

Labcorp Genetics (formerly Invitae), Labcorp
Classification: Pathogenic for Congenital myopathy with fiber type disproportion; Congenital myopathy 4B, autosomal recessive. Last evaluated: 2023-04-12. Review status: criteria provided, single submitter. Criteria: Invitae Variant Classification Sherloc (09022015). Collection method: clinical testing. Allele origin: germline.
Comment: For these reasons, this variant has been classified as Pathogenic. This sequence change replaces arginine, which is basic and polar, with glycine, which is neutral and non-polar, at codon 168 of the TPM3 protein (p.Arg168Gly). This variant is not present in population databases (gnomAD no frequency). This missense change has been observed in individuals with clinical features of autosomal dominant congenital myopathy and/or congenital fiber type disproportion (PMID: 18300303, 27854218; Invitae). ClinVar contains an entry for this variant (Variation ID: 12453). Advanced modeling of protein sequence and biophysical properties (such as structural, functional, and spatial information, amino acid conservation, physicochemical variation, residue mobility, and thermodynamic stability) performed at Invitae indicates that this missense variant is expected to disrupt TPM3 protein function. Experimental studies have shown that this missense change affects TPM3 function (PMID: 22749829). This variant disrupts the p.Arg168 amino acid residue in TPM3. Other variant(s) that disrupt this residue have been determined to be pathogenic (PMID: 12467750, 17376686, 18300303, 20554445, 24095155, 24692096). This suggests that this residue is clinically significant, and that variants that disrupt this residue are likely to be disease-causing.

GeneDx
Classification: Pathogenic. Last evaluated: 2017-04-27. Review status: criteria provided, single submitter. Criteria: GeneDx Variant Classification (06012015). Collection method: clinical testing. Allele origin: germline. Affected: yes.
Comment: The R168G variant in the TPM3 gene has been reported previously in an individual with congenital fiber type disproportion (Clarke et al., 2008). Functional studies of the R168G variant indicate a decreased affinity for actin and reduced calcium-induced ATPase activation (Robaszkiewicz et al., 2012; Yuen et al., 2015). Different missense variants in the same codon (R168C, R168H) have been reported in association with TPM3-related disorders (Clarke et al., 2008; Waddell et al., 2010; Marttila et al., 2014). The R168G variant is not observed in large population cohorts (Lek et al., 2016; 1000 Genomes Consortium et al., 2015; Exome Variant Server). The R168G variant is a non-conservative amino acid substitution, which is likely to impact secondary protein structure as these residues differ in polarity, charge, size and/or other properties. This substitution occurs at a position that is conserved across species.

Center for Genetic Medicine Research, Children's National Medical Center
Classification: Likely pathogenic for Congenital myopathy 4B, autosomal recessive. Last evaluated: 2015-12-01. Review status: criteria provided, single submitter. Criteria: Punetha et al. (J Neuromuscul Dis. 2016). Collection method: research. Allele origin: unknown. Affected: yes.
Comment: Also reported in PMID 23924754

OMIM
Classification: Pathogenic for CONGENITAL MYOPATHY 4A, AUTOSOMAL DOMINANT. Last evaluated: 2008-03-01. Review status: no assertion criteria provided. Collection method: literature only. Allele origin: germline. Not counted in ClinVar's aggregate classification.

GeneReviews
No classification provided. Condition: Congenital myopathy with fiber type disproportion. Review status: no classification provided. Collection method: literature only. Allele origin: unknown. Not counted in ClinVar's aggregate classification.

TPM3 homepage - Leiden Muscular Dystrophy pages
No classification provided. Review status: no classification provided. Collection method: not provided. Allele origin: not provided. Not counted in ClinVar's aggregate classification.

Literature cited by the submitters: DOI 10.1186/s13073-024-01353-0 (cited by Muscle and Diseases Team, Institut de Génétique et Biologie Moléculaire et Cellulaire); PubMed 18300303 (cited by 3 submitters); PubMed 27854218 (cited by Labcorp Genetics (formerly Invitae), Labcorp); PubMed 22749829 (cited by Labcorp Genetics (formerly Invitae), Labcorp); PubMed 12467750 (cited by Labcorp Genetics (formerly Invitae), Labcorp); PubMed 17376686 (cited by Labcorp Genetics (formerly Invitae), Labcorp); PubMed 20554445 (cited by Labcorp Genetics (formerly Invitae), Labcorp); PubMed 24095155 (cited by Labcorp Genetics (formerly Invitae), Labcorp); PubMed 24692096 (cited by Labcorp Genetics (formerly Invitae), Labcorp); PubMed 20301436 (cited by GeneReviews); NCBI Bookshelf NBK1259 (cited by GeneReviews).